The following is an entry in ClinVar:

ClinVar aggregate classification (germline): Benign (1 of 4 stars; one submission).

Submission:

CeGaT Center for Human Genetics Tuebingen
Classification: Benign. Last evaluated: 2026-06-01. Review status: criteria provided, single submitter. Criteria: CeGaT Center For Human Genetics Tuebingen Variant Classification Criteria Version 2. Collection method: clinical testing. Allele origin: germline. Affected: yes. Observed: 2 variant alleles.
Comment: FLG: BS1, BS2

NM_002016.2(FLG):c.8143_8145delinsCCG (p.Ser2715Pro)

Genes: CCDST (cervical cancer associated DHX9 suppressive transcript; plus strand), FLG (filaggrin; minus strand). Cytogenetic location: 1q21.3.
Variant type: Indel.
Coding change: c.8143_8145delinsCCG on transcript NM_002016.2 (MANE Select); coding-DNA positions 8143 to 8145, TCC replaced by CCG.
Protein change: p.Ser2715Pro; replaces serine 2715 with proline.
Molecular consequence: missense variant.
Genome position (GRCh38, 1-based): chr1:152,306,741-152,306,743, GGA replaced by CGG on the plus strand (TCC replaced by CCG on the coding strand, the reverse complement: FLG is on the minus strand). VCF-style: chr1-152306741-GGA-CGG. GRCh37 (hg19) VCF-style: chr1-152279217-GGA-CGG.
Other names: short protein forms S2715P.
Identifiers: ClinVar variation 4874672 (VCV004874672.2).
Genomic context (GRCh38, chr1:152,306,741, plus strand): 5'-TGAATGTCCAGACGTTTCCCCTGACCGGCCACGTGCGGACTCTTGGTGGCTCTGCTGATG[GGA>CGG]CCCAGCCTGTCCGTGGGCTGACACTGACTGTGTGTCTGAGTCTTCTGAATGTCCCTCATT-3'
Protein context (NP_002007.1, residues 2705-2725): QSVSAHGQAG[Ser2715Pro]HQQSHQESAR